The following is an entry in ClinVar:

ClinVar aggregate classification (germline): Conflicting classifications of pathogenicity. Review status: criteria provided, conflicting classifications (1 of 4 stars). 3 submissions from 3 submitters: Uncertain significance (2); Benign (1). Last evaluated 2025-10-15.

Conditions:
Emery-Dreifuss muscular dystrophy 5, autosomal dominant (EDMD5). Also called: EMERY-DREIFUSS MUSCULAR DYSTROPHY 5. Identifiers: Orphanet 261, MedGen C2751805, MONDO:0013072, OMIM 612999.

Allele frequency attached by ClinVar (database versions not stated): TOPMed 0.00002; gnomAD 0.00003 and 0.00009; gnomAD exomes 0.00004 and 0.00010; ExAC 0.00007; 1000 Genomes Project 30x 0.00047; 1000 Genomes Project 0.00060.
gnomAD v4.1: 158 of 1,614,166 alleles (0.0098%); highest among the groups gnomAD compares: East Asian, 0.35%; no homozygotes.

Submissions (3):

Ambry Genetics
Classification: Uncertain significance. Last evaluated: 2025-10-15. Review status: criteria provided, single submitter. Criteria: Ambry Variant Classification Scheme 2023. Collection method: clinical testing. Allele origin: germline.

Labcorp Genetics (formerly Invitae), Labcorp
Classification: Uncertain significance for Emery-Dreifuss muscular dystrophy 5, autosomal dominant. Last evaluated: 2025-08-21. Review status: criteria provided, single submitter. Criteria: Invitae Variant Classification Sherloc (09022015). Collection method: clinical testing. Allele origin: germline.
Comment: This sequence change replaces cysteine, which is neutral and slightly polar, with tyrosine, which is neutral and polar, at codon 5815 of the SYNE2 protein (p.Cys5815Tyr). This variant is present in population databases (rs143784708, gnomAD 0.05%), and has an allele count higher than expected for a pathogenic variant. This variant has not been reported in the literature in individuals affected with SYNE2-related conditions. ClinVar contains an entry for this variant (Variation ID: 313631). An algorithm developed to predict the effect of missense changes on protein structure and function outputs the following: PolyPhen-2: "Benign". The tyrosine amino acid residue is found in multiple mammalian species, which suggests that this missense change does not adversely affect protein function. In summary, the available evidence is currently insufficient to determine the role of this variant in disease. Therefore, it has been classified as a Variant of Uncertain Significance.

Illumina Laboratory Services, Illumina
Classification: Benign for Emery-Dreifuss muscular dystrophy 5, autosomal dominant. Last evaluated: 2018-01-12. Review status: criteria provided, single submitter. Criteria: ICSL Variant Classification Criteria 13 December 2019. Collection method: clinical testing. Allele origin: germline.
Comment: This variant was observed in the ICSL laboratory as part of a predisposition screen in an ostensibly healthy population. It had not been previously curated by ICSL or reported in the Human Gene Mutation Database (HGMD: prior to June 1st, 2018), and was therefore a candidate for classification through an automated scoring system. Utilizing variant allele frequency, disease prevalence and penetrance estimates, and inheritance mode, an automated score was calculated to assess if this variant is too frequent to cause the disease. Based on the score and internal cut-off values, a variant classified as benign is not then subjected to further curation. The score for this variant resulted in a classification of benign for this disease.

NM_182914.3(SYNE2):c.17444G>A (p.Cys5815Tyr)

Gene: SYNE2 (spectrin repeat containing nuclear envelope protein 2; plus strand). Cytogenetic location: 14q23.2.
Variant type: single nucleotide variant.
Coding change: c.17444G>A on transcript NM_182914.3 (MANE Select); coding-DNA position 17444, G replaced by A.
Protein change: p.Cys5815Tyr; replaces cysteine 5815 with tyrosine.
Molecular consequence: missense variant.
Genome position (GRCh38, 1-based): chr14:64,177,371, G>A. VCF-style: chr14-64177371-G-A. GRCh37 (hg19) VCF-style: chr14-64644089-G-A.
Other names: c.17444G>A, p.Cys5815Tyr (NM_015180.6); short protein forms C5815Y.
Identifiers: ClinVar variation 313631 (VCV000313631.11), dbSNP rs143784708, ClinGen allele CA7223712.